The following is an entry in ClinVar:

NM_016507.4(CDK12):c.11C>T (p.Ser4Leu)

Genes: CDK12 (cyclin dependent kinase 12; plus strand), LOC126862553 (CDK7 strongly-dependent group 2 enhancer GRCh37_chr17:37618166-37619365; plus strand). Cytogenetic location: 17q12.
Variant type: single nucleotide variant.
Coding change: c.11C>T on transcript NM_016507.4 (MANE Select); coding-DNA position 11, C replaced by T.
Protein change: p.Ser4Leu; replaces serine 4 with leucine.
Molecular consequence: missense variant.
Genome position (GRCh38, 1-based): chr17:39,462,082, C>T. VCF-style: chr17-39462082-C-T. GRCh37 (hg19) VCF-style: chr17-37618335-C-T.
Other names: c.11C>T, p.Ser4Leu (NM_015083.4); short protein forms S4L.
Identifiers: ClinVar variation 2302372 (VCV002302372.3), dbSNP rs1246755126, ClinGen allele CA398845737.

ClinVar aggregate classification (germline): Uncertain significance (1 of 4 stars; one submission).

Allele frequency attached by ClinVar (database versions not stated): gnomAD exomes below 0.00001; gnomAD 0.00001.
gnomAD v4.1: 5 of 1,613,568 alleles (0.00031%); highest among the groups gnomAD compares: East Asian, 0.0022%; no homozygotes.

Submission:

Ambry Genetics
Classification: Uncertain significance. Last evaluated: 2024-11-24. Review status: criteria provided, single submitter. Criteria: Ambry Variant Classification Scheme 2023. Collection method: clinical testing. Allele origin: germline.
Comment: The p.S4L variant (also known as c.11C>T), located in coding exon 1 of the CDK12 gene, results from a C to T substitution at nucleotide position 11. The serine at codon 4 is replaced by leucine, an amino acid with dissimilar properties. This amino acid position is conserved. In addition, this alteration is predicted to be tolerated by in silico analysis. Based on the available evidence, the clinical significance of this variant remains unclear.